The following is an entry in ClinVar:

NM_016169.4(SUFU):c.48G>C (p.Pro16=)

Genes: SUFU (SUFU negative regulator of hedgehog signaling; plus strand), LOC130004614 (ATAC-STARR-seq lymphoblastoid silent region 2764; plus strand). Cytogenetic location: 10q24.32.
Variant type: single nucleotide variant.
Coding change: c.48G>C on transcript NM_016169.4 (MANE Select); coding-DNA position 48, G replaced by C.
Protein change: p.Pro16=; no amino-acid change (proline 16 retained).
Molecular consequence: synonymous variant.
Genome position (GRCh38, 1-based): chr10:102,504,200, G>C. VCF-style: chr10-102504200-G-C. GRCh37 (hg19) VCF-style: chr10-104263957-G-C.
Other names: c.48G>C, p.Pro16= (NM_001178133.2).
Identifiers: ClinVar variation 1743972 (VCV001743972.9), dbSNP rs1467238395, ClinGen allele CA471304806.

ClinVar aggregate classification (germline): Benign/Likely benign. Review status: criteria provided, multiple submitters, no conflicts (2 of 4 stars). 5 submissions from 5 submitters: Benign (1); Likely benign (3). 1 of the submissions does not count toward it. Last evaluated 2025-08-30.

Conditions:
SUFU-related disorder. Also called: SUFU-related condition; SUFU-related disorders.
Gorlin syndrome. Also called: Nevoid Basal Cell Carcinoma Syndrome; Basal cell nevus syndrome. Identifiers: Orphanet 377, MedGen C0004779, MONDO:0007187.
Medulloblastoma (MDB). Also called: MEDULLOBLASTOMA PREDISPOSITION SYNDROME; Medulloblastoma, somatic. Identifiers: Orphanet 616, MedGen C0025149, MeSH D008527, MONDO:0007959, OMIM 155255, HP:0002885.
Hereditary cancer-predisposing syndrome. Also called: Hereditary Cancer Syndrome; Hereditary neoplastic syndrome; Neoplastic Syndromes, Hereditary; Tumor predisposition. Identifiers: Orphanet 140162, MedGen C0027672, MeSH D009386, MONDO:0015356.

Submissions (5):

Labcorp Genetics (formerly Invitae), Labcorp
Classification: Likely benign for Gorlin syndrome; Medulloblastoma. Last evaluated: 2025-08-30. Review status: criteria provided, single submitter. Criteria: Invitae Variant Classification Sherloc (09022015). Collection method: clinical testing. Allele origin: germline.

Quest Diagnostics Nichols Institute San Juan Capistrano
Classification: Benign. Last evaluated: 2024-12-01. Review status: criteria provided, single submitter. Criteria: Quest Diagnostics criteria. Collection method: clinical testing. Allele origin: unknown.

Blueprint Genetics
Classification: Likely benign. Last evaluated: 2024-10-10. Review status: criteria provided, single submitter. Criteria: ACMG Guidelines, 2015. Collection method: clinical testing. Allele origin: germline.

Ambry Genetics
Classification: Likely benign for Hereditary cancer-predisposing syndrome. Last evaluated: 2019-08-09. Review status: criteria provided, single submitter. Criteria: Ambry Variant Classification Scheme 2023. Collection method: clinical testing. Allele origin: germline.

PreventionGenetics, part of Exact Sciences
Classification: Benign for SUFU-related condition. Last evaluated: 2020-05-22. Review status: no assertion criteria provided. Collection method: clinical testing. Allele origin: germline. Not counted in ClinVar's aggregate classification.
Comment: This variant is classified as benign based on ACMG/AMP sequence variant interpretation guidelines (Richards et al. 2015 PMID: 25741868, with internal and published modifications).